The following is an entry in ClinVar:

ClinVar aggregate classification (germline): Pathogenic/Likely pathogenic. Review status: criteria provided, multiple submitters, no conflicts (2 of 4 stars). 2 submissions from 2 submitters: Pathogenic (1); Likely pathogenic (1). Last evaluated 2025-09-03.

Conditions:
COL2A1-related disorder. Also called: COL2A1-related condition; COL2A1-related disorders.

Submissions (2):

Labcorp Genetics (formerly Invitae), Labcorp
Classification: Pathogenic. Last evaluated: 2025-09-03. Review status: criteria provided, single submitter. Criteria: Invitae Variant Classification Sherloc (09022015). Collection method: clinical testing. Allele origin: germline.
Comment: This sequence change creates a premature translational stop signal (p.Gln443*) in the COL2A1 gene. It is expected to result in an absent or disrupted protein product. Loss-of-function variants in COL2A1 are known to be pathogenic (PMID: 20179744). This variant is not present in population databases (gnomAD no frequency). This variant has not been reported in the literature in individuals affected with COL2A1-related conditions. ClinVar contains an entry for this variant (Variation ID: 2833279). For these reasons, this variant has been classified as Pathogenic.

Blueprint Genetics
Classification: Likely pathogenic for COL2A1-related disorders. Last evaluated: 2021-06-24. Review status: criteria provided, single submitter. Criteria: ACMG Guidelines, 2015. Collection method: clinical testing. Allele origin: germline. Affected: yes. Observed: 1 variant allele.

Literature cited by the submitters: PubMed 20179744 (cited by Labcorp Genetics (formerly Invitae), Labcorp).

NM_001844.5(COL2A1):c.1327C>T (p.Gln443Ter)

Gene: COL2A1 (collagen type II alpha 1 chain; minus strand). Cytogenetic location: 12q13.11.
Variant type: single nucleotide variant.
Coding change: c.1327C>T on transcript NM_001844.5 (MANE Select); coding-DNA position 1327, C replaced by T.
Protein change: p.Gln443Ter; replaces glutamine 443 with a stop codon.
Molecular consequence: nonsense.
Genome position (GRCh38, 1-based): chr12:47,987,116, G>A on the plus strand (C>T on the coding strand, the complement: COL2A1 is on the minus strand). VCF-style: chr12-47987116-G-A. GRCh37 (hg19) VCF-style: chr12-48380899-G-A.
Other names: c.1120C>T, p.Gln374Ter (NM_033150.3); short protein forms Q374*, Q443*.
Identifiers: ClinVar variation 2833279 (VCV002833279.4), dbSNP rs2540151593, ClinGen allele CA384553864.
Genomic context (GRCh38, chr12:47,987,116, plus strand): 5'-GGGGGTCACTTTGGGCTCTTACCGTCTGACCTTTCGGGCCCAGAGGACCAGTTGCACCTT[G>A]AGGGCCAGGAGGGCCCCGTGGCCCAGGGAAGCCAGGAGCACCAGCAATGCCAGGAGCACC-3'